The following is an entry in ClinVar:

ClinVar aggregate classification (germline): Uncertain significance (1 of 4 stars; one submission).

Conditions:
GFI1B-related disorder. Also called: GFI1B-related condition.

gnomAD v4.1: 10 of 1,613,502 alleles (0.00062%); highest among the groups gnomAD compares: East Asian, 0.0022%; no homozygotes.

Submission:

PreventionGenetics, part of Exact Sciences
Classification: Uncertain significance for GFI1B-related condition. Last evaluated: 2026-05-08. Review status: criteria provided, single submitter. Criteria: ACMG Guidelines, 2015. Collection method: clinical testing. Allele origin: germline.
Comment: The GFI1B c.652C>A variant is predicted to result in the amino acid substitution p.Arg218Ser. To our knowledge, this variant has not been reported in the literature. This variant is reported in 0.0018% of alleles in individuals of European (Non-Finnish) descent in gnomAD. At this time, the clinical significance of this variant is uncertain due to the absence of conclusive functional and genetic evidence.

NM_001377304.1(GFI1B):c.652C>A (p.Arg218Ser)

Gene: GFI1B (growth factor independent 1B transcriptional repressor; plus strand). Cytogenetic location: 9q34.13.
Variant type: single nucleotide variant.
Coding change: c.652C>A on transcript NM_001377304.1 (MANE Select); coding-DNA position 652, C replaced by A.
Protein change: p.Arg218Ser; replaces arginine 218 with serine.
Molecular consequence: missense variant.
Genome position (GRCh38, 1-based): chr9:132,989,745, C>A. VCF-style: chr9-132989745-C-A. GRCh37 (hg19) VCF-style: chr9-135865132-C-A.
Other names: c.514C>A, p.Arg172Ser (NM_001135031.2, NM_001377305.1); c.718C>A, p.Arg240Ser (NM_001371908.1); c.652C>A, p.Arg218Ser (NM_004188.8); short protein forms R218S, R240S, R172S.
Identifiers: ClinVar variation 4984917 (VCV004984917.1).
Genomic context (GRCh38, chr9:132,989,745, plus strand): 5'-GCCGGGTCCAGTCCTGAGCCTGCACCTGACCCCCCGGGGCCTCATTTCCTCCGGCAGGAG[C>A]GCAGCTTCGAGTGCCGCATGTGCGGCAAGGCCTTCAAGCGCTCGTCCACGCTGTCCACCC-3'
Protein context (NP_001364233.1, residues 208-228): EQHTHVHSQE[Arg218Ser]SFECRMCGKA